The following is an entry in ClinVar:

ClinVar aggregate classification (germline): Pathogenic/Likely pathogenic. Review status: criteria provided, multiple submitters, no conflicts (2 of 4 stars). 5 submissions from 5 submitters: Pathogenic (2); Likely pathogenic (2). 1 of the submissions does not count toward it. Last evaluated 2026-09-14.

Conditions:
RP1-related disorder. Also called: RP1-related condition.
Retinal dystrophy. Also called: Inherited retinal dystrophy. Identifiers: Orphanet 71862, MedGen C0854723, MeSH D058499, MONDO:0019118, HP:0000556.

Allele frequency attached by ClinVar (database versions not stated): gnomAD exomes below 0.00001 and 0.00001; ExAC 0.00001; gnomAD 0.00001; TOPMed 0.00001.
gnomAD v4.1: 5 of 1,613,962 alleles (0.00031%); highest among the groups gnomAD compares: Non-Finnish European, 0.00034%; no homozygotes.

Submissions (5):

PreventionGenetics, part of Exact Sciences
Classification: Likely pathogenic for RP1-related condition. Last evaluated: 2026-09-14. Review status: criteria provided, single submitter. Criteria: ACMG Guidelines, 2015. Collection method: clinical testing. Allele origin: germline.
Comment: The RP1 c.539T>G variant is predicted to result in the amino acid substitution p.Phe180Cys. This variant has been reported in the compound heterozygous state with another RP1 variant in individuals with RP1-associated retinal dystrophy (Verbakel et al. 2019. PubMed ID: 30913292). This variant has been reported as causative for inherited retinal disease (Supplemental Tables, Ellingford et al. 2016. PubMed ID: 27208204; Supplementary Table 1, Weisschuh et al. 2024. PubMed ID: 37734845). This variant is reported in 0.0024% of alleles in individuals of European (Non-Finnish) descent in gnomAD. This variant is interpreted as likely pathogenic.

Blueprint Genetics
Classification: Pathogenic for RP1-related disorders. Last evaluated: 2023-11-14. Review status: criteria provided, single submitter. Criteria: ACMG Guidelines, 2015. Collection method: clinical testing. Allele origin: germline. Affected: yes. Observed: 4 variant alleles.

Labcorp Genetics (formerly Invitae), Labcorp
Classification: Pathogenic. Last evaluated: 2022-01-04. Review status: criteria provided, single submitter. Criteria: Invitae Variant Classification Sherloc (09022015). Collection method: clinical testing. Allele origin: germline.
Comment: For these reasons, this variant has been classified as Pathogenic. Algorithms developed to predict the effect of missense changes on protein structure and function (SIFT, PolyPhen-2, Align-GVGD) all suggest that this variant is likely to be disruptive. ClinVar contains an entry for this variant (Variation ID: 236412). This missense change has been observed in individual(s) with autosomal recessive RP1-related conditions (PMID: 27208204, 30913292; Invitae). In at least one individual the data is consistent with being in trans (on the opposite chromosome) from a pathogenic variant. It has also been observed to segregate with disease in related individuals. This variant is present in population databases (rs557432569, gnomAD 0.002%). This sequence change replaces phenylalanine, which is neutral and non-polar, with cysteine, which is neutral and slightly polar, at codon 180 of the RP1 protein (p.Phe180Cys).

Institute of Human Genetics, Univ. Regensburg, Univ. Regensburg
Classification: Likely pathogenic for Retinal dystrophy. Last evaluated: 2021-01-01. Review status: criteria provided, single submitter. Criteria: ACMG Guidelines, 2015. Collection method: clinical testing. Allele origin: germline. Affected: yes.

Centre for Genomic Medicine, Manchester, Central Manchester University Hospitals
Classification: Uncertain significance for Retinal dystrophy. Last evaluated: 2014-05-09. Review status: no assertion criteria provided. Collection method: clinical testing. Allele origin: germline. Affected: yes. Not counted in ClinVar's aggregate classification.

Literature cited by the submitters: PubMed 27208204 (cited by Labcorp Genetics (formerly Invitae), Labcorp and Institute of Human Genetics, Univ. Regensburg, Univ. Regensburg); PubMed 30913292 (cited by Labcorp Genetics (formerly Invitae), Labcorp and Institute of Human Genetics, Univ. Regensburg, Univ. Regensburg); PubMed 31964843 (cited by Institute of Human Genetics, Univ. Regensburg, Univ. Regensburg).

NM_006269.2(RP1):c.539T>G (p.Phe180Cys)

Gene: RP1 (RP1 axonemal microtubule associated; plus strand). Cytogenetic location: 8q12.1.
Variant type: single nucleotide variant.
Coding change: c.539T>G on transcript NM_006269.2 (MANE Select); coding-DNA position 539, T replaced by G.
Protein change: p.Phe180Cys; replaces phenylalanine 180 with cysteine.
Molecular consequence: missense variant.
Genome position (GRCh38, 1-based): chr8:54,621,505, T>G. VCF-style: chr8-54621505-T-G. GRCh37 (hg19) VCF-style: chr8-55534065-T-G.
Other names: short protein forms F180C.
Identifiers: ClinVar variation 236412 (VCV000236412.9), dbSNP rs557432569, ClinGen allele CA4751195.